The following is an entry in ClinVar:

ClinVar aggregate classification (germline): Benign. Review status: criteria provided, multiple submitters, no conflicts (2 of 4 stars). 3 submissions from 3 submitters: Benign (3). Last evaluated 2018-01-12.

Conditions:
Vanishing white matter disease. Also called: CACH syndrome; Childhood ataxia with diffuse central nervous system hypomyelination; Leukoencephalopathy with vanishing white matter; CACH/VWM syndrome; Cree leukoencehalopathy. Identifiers: Orphanet 135, Orphanet 99853, MedGen C1858991, MONDO:0800448.

Allele frequency attached by ClinVar (database versions not stated): 1000 Genomes Project 30x 0.02436; ESP Exome Variant Server 0.02099; gnomAD 0.01739; TOPMed 0.02144; 1000 Genomes Project 0.02256.
gnomAD v4.1: 6,950 of 1,611,898 alleles (0.43%); highest among the groups gnomAD compares: African/African-American, 6.2%; 146 homozygotes.

Submissions (3):

Illumina Laboratory Services, Illumina
Classification: Benign for Leukoencephalopathy with vanishing white matter 1. Last evaluated: 2018-01-12. Review status: criteria provided, single submitter. Criteria: ICSL Variant Classification Criteria 13 December 2019. Collection method: clinical testing. Allele origin: germline.
Comment: This variant was observed in the ICSL laboratory as part of a predisposition screen in an ostensibly healthy population. It had not been previously curated by ICSL or reported in the Human Gene Mutation Database (HGMD: prior to June 1st, 2018), and was therefore a candidate for classification through an automated scoring system. Utilizing variant allele frequency, disease prevalence and penetrance estimates, and inheritance mode, an automated score was calculated to assess if this variant is too frequent to cause the disease. Based on the score and internal cut-off values, a variant classified as benign is not then subjected to further curation. The score for this variant resulted in a classification of benign for this disease.

Breakthrough Genomics
Classification: Benign. Review status: criteria provided, single submitter. Criteria: ACMG Guidelines, 2015. Collection method: not provided. Allele origin: germline. Inheritance: Autosomal recessive inheritance. Affected: yes.

PreventionGenetics, part of Exact Sciences
Classification: Benign. Review status: criteria provided, single submitter. Criteria: ACMG Guidelines, 2015. Collection method: clinical testing. Allele origin: germline.

NM_001414.4(EIF2B1):c.*49G>A

Genes: EIF2B1 (eukaryotic translation initiation factor 2B subunit alpha; minus strand), LOC126861664 (CDK7 strongly-dependent group 2 enhancer GRCh37_chr12:124105924-124107123; plus strand). Cytogenetic location: 12q24.31.
Variant type: single nucleotide variant.
Coding change: c.*49G>A on transcript NM_001414.4 (MANE Select); 49 bases downstream of the stop codon, G replaced by A.
Molecular consequence: 3 prime UTR variant.
Genome position (GRCh38, 1-based): chr12:123,621,707, C>T on the plus strand (G>A on the coding strand, the complement: EIF2B1 is on the minus strand). VCF-style: chr12-123621707-C-T. GRCh37 (hg19) VCF-style: chr12-124106254-C-T.
Identifiers: ClinVar variation 258089 (VCV000258089.7), dbSNP rs61458734, ClinGen allele CA6859918.
Genomic context (GRCh38, chr12:123,621,707, plus strand): 5'-ATCTTCATTAAACACATCTCAGTTTTGGCCTGACTCACTGGGGTGTCAAGCAGCTACTCA[C>T]CCTGCCTCAACTACGTAAGCTGCACCTTGGCAGGAAAGGGCTCACAGGTTACAGATAGAG-3'